The following is an entry in ClinVar:

NM_000321.3(RB1):c.142G>T (p.Glu48Ter)

Gene: RB1 (RB transcriptional corepressor 1; plus strand). Cytogenetic location: 13q14.2.
Variant type: single nucleotide variant.
Coding change: c.142G>T on transcript NM_000321.3 (MANE Select); coding-DNA position 142, G replaced by T.
Protein change: p.Glu48Ter; replaces glutamic acid 48 with a stop codon.
Molecular consequence: nonsense.
Genome position (GRCh38, 1-based): chr13:48,307,284, G>T. VCF-style: chr13-48307284-G-T. GRCh37 (hg19) VCF-style: chr13-48881420-G-T.
Other names: c.142G>T, p.Glu48Ter (NM_001407165.1, NM_001407166.1, NM_001407167.1); short protein forms E48*.
Identifiers: ClinVar variation 2121259 (VCV002121259.6), dbSNP rs2138033820, ClinGen allele CA388250428.

ClinVar aggregate classification (germline): Pathogenic (1 of 4 stars; one submission).
ClinVar aggregate classification (oncogenicity): Likely oncogenic (1 of 4 stars; one submission).

Conditions:
Retinoblastoma (RB1). Also called: RETINOBLASTOMA, SOMATIC. Identifiers: Orphanet 790, MedGen C0035335, MeSH D012175, MONDO:0008380, OMIM 180200, HP:0009919. Disease mechanism: loss of function. Inheritance: Both sporadic and heritable forms are tested..
Neoplasm. Also called: tumor; Neoplasms; Neoplasm (disease). Identifiers: MedGen C0027651, MeSH D009369, MONDO:0005070, HP:0002664.

Submissions (2):

Center for Genomic Medicine, Rigshospitalet, Copenhagen University Hospital
Classification: Likely oncogenic for Neoplasm. Last evaluated: 2025-03-04. Review status: criteria provided, single submitter. Criteria: ClinGen/CGC/VICC Guidelines for Oncogenicity, 2022. Collection method: clinical testing. Allele origin: somatic. Affected: yes.

Labcorp Genetics (formerly Invitae), Labcorp
Classification: Pathogenic for Retinoblastoma. Last evaluated: 2022-04-04. Review status: criteria provided, single submitter. Criteria: Invitae Variant Classification Sherloc (09022015). Collection method: clinical testing. Allele origin: germline.
Comment: This variant has not been reported in the literature in individuals affected with RB1-related conditions. This variant is not present in population databases (gnomAD no frequency). This sequence change creates a premature translational stop signal (p.Glu48*) in the RB1 gene. It is expected to result in an absent or disrupted protein product. Loss-of-function variants in RB1 are known to be pathogenic (PMID: 17096365). For these reasons, this variant has been classified as Pathogenic.

Literature cited by the submitters: PubMed 17096365 (cited by Labcorp Genetics (formerly Invitae), Labcorp).